The following is an entry in ClinVar:

ClinVar aggregate classification (germline): Likely benign (1 of 4 stars; one submission).

Conditions:
TRPC5-related disorder. Also called: TRPC5-related condition.

Submission:

PreventionGenetics, part of Exact Sciences
Classification: Likely benign for TRPC5-related condition. Last evaluated: 2025-08-13. Review status: criteria provided, single submitter. Criteria: ACMG Guidelines, 2015. Collection method: clinical testing. Allele origin: germline.
Comment: This variant is classified as likely benign based on ACMG/AMP sequence variant interpretation guidelines (Richards et al. 2015 PMID: 25741868, with internal and published modifications).

NM_012471.3(TRPC5):c.1629A>G (p.Glu543=)

Gene: TRPC5 (transient receptor potential cation channel subfamily C member 5; minus strand). Cytogenetic location: Xq23.
Variant type: single nucleotide variant.
Coding change: c.1629A>G on transcript NM_012471.3 (MANE Select); coding-DNA position 1629, A replaced by G.
Protein change: p.Glu543=; no amino-acid change (glutamic acid 543 retained).
Molecular consequence: synonymous variant.
Genome position (GRCh38, 1-based): chrX:111,847,185, T>C on the plus strand (A>G on the coding strand, the complement: TRPC5 is on the minus strand). VCF-style: chrX-111847185-T-C. GRCh37 (hg19) VCF-style: chrX-111090413-T-C.
Identifiers: ClinVar variation 4989910 (VCV004989910.1).